The following is an entry in ClinVar:

NM_005861.4(STUB1):c.791_792del (p.Val264fs)

Genes: STUB1 (STIP1 homology and U-box containing protein 1; plus strand), JMJD8 (jumonji domain containing 8; minus strand). Cytogenetic location: 16p13.3.
Variant type: Microsatellite.
Coding change: c.791_792del on transcript NM_005861.4 (MANE Select); coding-DNA positions 791 to 792, 2 bases deleted (TG; older notation c.791_792delTG).
Protein change: p.Val264fs; shifts the reading frame from valine 264.
Molecular consequence: frameshift variant. On other transcripts: 3 prime UTR variant (5), non-coding transcript variant (3).
Genome position (GRCh38, 1-based): chr16:682,368-682,369, TG deleted; deleting any 2 consecutive bases within chr16:682,365-682,369 gives the same sequence; the c. name uses the placement nearest the transcript's 3' end. VCF-style (leftmost placement, unchanged base first): chr16-682364-CGT-C. GRCh37 (hg19) VCF-style: chr16-732364-CGT-C.
Other names: c.575_576del, p.Val192fs (NM_001293197.2); c.*426AC[1] (NM_001005920.4, NM_001323919.3, NM_001323920.3); c.*460AC[1] (NM_001323918.3, NM_001323922.3); c.791_792delTG (NM_005861.4); short protein forms V192fs, V264fs.
Identifiers: ClinVar variation 1027455 (VCV001027455.2), dbSNP rs1732133553, ClinGen allele CA2201205427.

ClinVar aggregate classification (germline): Pathogenic/Likely pathogenic. Review status: criteria provided, multiple submitters, no conflicts (2 of 4 stars). 2 submissions from 2 submitters: Pathogenic (1); Likely pathogenic (1). Last evaluated 2025-11-01.

Conditions:
Spinocerebellar ataxia 48. Identifiers: Orphanet 631103, MedGen C4748158, MONDO:0032526, OMIM 618093.
Autosomal recessive spinocerebellar ataxia 16. Identifiers: Orphanet 412057, MedGen C5190574, MONDO:0014339, OMIM 615768.

Submissions (2):

Medical Molecular Genetics, National Research Centre
Classification: Likely pathogenic for Autosomal recessive spinocerebellar ataxia 16. Last evaluated: 2025-11-01. Review status: criteria provided, single submitter. Criteria: ACMG Guidelines, 2015. Collection method: research. Allele origin: inherited. Affected: yes.
Comment: This homozygous frameshift variant in STUB1 (c.791_792del, p.Val264GlyfsTer4) results in a premature stop codon shortly downstream, leading to a truncated protein or nonsense-mediated decay. This variant was observed in two unrelated families in our cohort. It is absent or extremely rare in population databases, with no reported homozygotes. Given that loss of function is a known disease mechanism for STUB1

Molecular Medicine for Neurodegenerative and Neuromuscular Diseases Unit, IRCCS Fondazione Stella Maris
Classification: Pathogenic for Spinocerebellar ataxia 48. Last evaluated: 2021-01-04. Review status: criteria provided, single submitter. Criteria: ACMG Guidelines, 2015. Collection method: research. Allele origin: inherited. Affected: yes.